The following is an entry in ClinVar:

ClinVar aggregate classification (germline): Likely pathogenic. Review status: criteria provided, single submitter (1 of 4 stars). 2 submissions from 2 submitters: Likely pathogenic (1). 1 of the submissions does not count toward it. Last evaluated 2022-08-31.

Conditions:
Intellectual disability, X-linked 61 (TOKAS). Also called: TONNE-KALSCHEUER SYNDROME. Identifiers: MedGen C4283894, MONDO:0010506, OMIM 300978.

Submissions (2):

GeneDx
Classification: Likely pathogenic. Last evaluated: 2022-08-31. Review status: criteria provided, single submitter. Criteria: GeneDx Variant Classification Process June 2021. Collection method: clinical testing. Allele origin: germline. Affected: yes.
Comment: Published functional studies demonstrate a damaging effect on ubiquitination and in vitro studies suggest a loss of function allele (Frints et al., 2019); Not observed at significant frequency in large population cohorts (gnomAD); In silico analysis supports that this missense variant has a deleterious effect on protein structure/function; This variant is associated with the following publications: (PMID: 29728705)

OMIM
Classification: Pathogenic for TONNE-KALSCHEUER SYNDROME. Last evaluated: 2019-10-31. Review status: no assertion criteria provided. Collection method: literature only. Allele origin: germline. Not counted in ClinVar's aggregate classification.

Literature cited by the submitters: PubMed 29728705 (cited by OMIM).

NM_016120.4(RLIM):c.1831C>T (p.Arg611Cys)

Gene: RLIM (ring finger protein, LIM domain interacting; minus strand). Cytogenetic location: Xq13.2.
Variant type: single nucleotide variant.
Coding change: c.1831C>T on transcript NM_016120.4 (MANE Select); coding-DNA position 1831, C replaced by T.
Protein change: p.Arg611Cys; replaces arginine 611 with cysteine.
Molecular consequence: missense variant.
Genome position (GRCh38, 1-based): chrX:74,591,484, G>A on the plus strand (C>T on the coding strand, the complement: RLIM is on the minus strand). VCF-style: chrX-74591484-G-A. GRCh37 (hg19) VCF-style: chrX-73811319-G-A.
Other names: c.1831C>T, p.Arg611Cys (NM_183353.3); short protein forms R611C.
Identifiers: ClinVar variation 585245 (VCV000585245.3), dbSNP rs1569309449, ClinGen allele CA413658873.
Genomic context (GRCh38, chrX:74,591,484, plus strand): 5'-AGAGTTCAGATCTTAATTACACAACACTTTCTCTGTTACCAGAAGCTAAGACTGCTCTGC[G>A]ACAAATAGGACAGGTAGAATTCTCAGATAACCAGCGATCGATGCAGTGGACATGGTACTC-3'
Protein context (NP_057204.2, residues 601-621): LSENSTCPIC[Arg611Cys]RAVLASGNRE